The following is an entry in ClinVar:

NM_014804.3(KIAA0753):c.2147_2148del (p.Thr716fs)

Gene: KIAA0753 (KIAA0753; minus strand). Cytogenetic location: 17p13.1.
Variant type: Microsatellite.
Coding change: c.2147_2148del on transcript NM_014804.3 (MANE Select); coding-DNA positions 2147 to 2148, 2 bases deleted (CA; older notation c.2147_2148delCA).
Protein change: p.Thr716fs; shifts the reading frame from threonine 716.
Molecular consequence: frameshift variant. On other transcripts: non-coding transcript variant (3).
Genome position (GRCh38, 1-based): chr17:6,599,261-6,599,262, TG deleted on the plus strand (CA on the coding strand, the reverse complement: KIAA0753 is on the minus strand); deleting any 2 consecutive bases within chr17:6,599,261-6,599,265 gives the same sequence; the c. name uses the placement nearest the transcript's 3' end. VCF-style (leftmost placement, unchanged base first): chr17-6599260-CTG-C. GRCh37 (hg19) VCF-style: chr17-6502580-CTG-C.
Other names: c.1250_1251del, p.Thr417fs (NM_001351225.2); short protein forms T716fs, T417fs.
Identifiers: ClinVar variation 4769159 (VCV004769159.1).

ClinVar aggregate classification (germline): Pathogenic (1 of 4 stars; one submission).

Submission:

Labcorp Genetics (formerly Invitae), Labcorp
Classification: Pathogenic. Last evaluated: 2025-02-27. Review status: criteria provided, single submitter. Criteria: Invitae Variant Classification Sherloc (09022015). Collection method: clinical testing. Allele origin: germline.
Comment: This sequence change creates a premature translational stop signal (p.Thr716Serfs*13) in the KIAA0753 gene. It is expected to result in an absent or disrupted protein product. Loss-of-function variants in KIAA0753 are known to be pathogenic (PMID: 29138412). This variant is not present in population databases (gnomAD no frequency). This variant has not been reported in the literature in individuals affected with KIAA0753-related conditions. For these reasons, this variant has been classified as Pathogenic.

Literature cited by the submitters: PubMed 29138412.